The following is an entry in ClinVar:

NM_024011.4(CDK11A):c.1671C>T (p.His557=)

Gene: CDK11A (cyclin dependent kinase 11A; minus strand). Cytogenetic location: 1p36.33.
Variant type: single nucleotide variant.
Coding change: c.1671C>T on transcript NM_024011.4 (MANE Select); coding-DNA position 1671, C replaced by T.
Protein change: p.His557=; no amino-acid change (histidine 557 retained).
Molecular consequence: synonymous variant. On other transcripts: non-coding transcript variant (2).
Genome position (GRCh38, 1-based): chr1:1,704,238, G>A on the plus strand (C>T on the coding strand, the complement: CDK11A is on the minus strand). VCF-style: chr1-1704238-G-A. GRCh37 (hg19) VCF-style: chr1-1635677-G-A.
Other names: c.1680C>T, p.His560= (NM_001313896.2); c.1668C>T, p.His556= (NM_001313982.2); c.1641C>T, p.His547= (NM_033529.4).
Identifiers: ClinVar variation 2638057 (VCV002638057.24), dbSNP rs186584733, ClinGen allele CA530130.

ClinVar aggregate classification (germline): Likely benign (1 of 4 stars; one submission).

Allele frequency attached by ClinVar (database versions not stated): 1000 Genomes Project 0.00060; 1000 Genomes Project 30x 0.00078; ESP Exome Variant Server 0.00161; gnomAD 0.00184.
gnomAD v4.1: 4,507 of 1,608,518 alleles (0.28%); highest among the groups gnomAD compares: Non-Finnish European, 0.36%; 215 homozygotes.

Submission:

CeGaT Center for Human Genetics Tuebingen
Classification: Likely benign. Last evaluated: 2023-01-01. Review status: criteria provided, single submitter. Criteria: CeGaT Center For Human Genetics Tuebingen Variant Classification Criteria Version 2. Collection method: clinical testing. Allele origin: germline. Affected: yes. Observed: 2 variant alleles.
Comment: CDK11A: BP4, BP7, BS2